The following is an entry in ClinVar:

ClinVar aggregate classification (germline): Benign/Likely benign. Review status: criteria provided, multiple submitters, no conflicts (2 of 4 stars). 4 submissions from 4 submitters: Benign (1); Likely benign (3). Last evaluated 2025-09-23.

Conditions:
Hereditary nonpolyposis colorectal neoplasms. Identifiers: MedGen C0009405, MeSH D003123.
Hereditary cancer-predisposing syndrome. Also called: Hereditary neoplastic syndrome; Hereditary Cancer Syndrome; Neoplastic Syndromes, Hereditary; Tumor predisposition. Identifiers: Orphanet 140162, MedGen C0027672, MeSH D009386, MONDO:0015356.
Lynch syndrome 4 (LYNCH4). Also called: Colorectal cancer, hereditary nonpolyposis, type 4; Hereditary non-polyposis colorectal cancer, type 4. Identifiers: Orphanet 144, MedGen C1838333, MONDO:0013699, OMIM 614337. Disease mechanism: loss of function.

Allele frequency attached by ClinVar (database versions not stated): TOPMed 0.00001; 1000 Genomes Project 0.00040; 1000 Genomes Project 30x 0.00047.
gnomAD v4.1: 6 of 1,540,050 alleles (0.00039%); highest among the groups gnomAD compares: Admixed American, 0.01%; no homozygotes.

Submissions (4):

Labcorp Genetics (formerly Invitae), Labcorp
Classification: Likely benign for Hereditary nonpolyposis colorectal neoplasms. Last evaluated: 2025-09-23. Review status: criteria provided, single submitter. Criteria: Invitae Variant Classification Sherloc (09022015). Collection method: clinical testing. Allele origin: germline.

Myriad Genetics, Inc.
Classification: Likely benign for Lynch syndrome 4. Last evaluated: 2025-01-29. Review status: criteria provided, single submitter. Criteria: Myriad Autosomal Dominant, Autosomal Recessive and X-Linked Classification Criteria (2023). Collection method: clinical testing. Allele origin: unknown.
Comment: This variant is considered likely benign. This variant is intronic and is not expected to impact mRNA splicing.

Color Diagnostics, LLC DBA Color Health
Classification: Likely benign for Hereditary cancer-predisposing syndrome. Last evaluated: 2016-04-05. Review status: criteria provided, single submitter. Criteria: ACMG Guidelines, 2015. Collection method: clinical testing. Allele origin: germline.

GeneDx
Classification: Benign. Last evaluated: 2015-07-28. Review status: criteria provided, single submitter. Criteria: GeneDx Variant Classification (06012015). Collection method: clinical testing. Allele origin: germline. Affected: yes.
Comment: This variant is considered likely benign or benign based on one or more of the following criteria: it is a conservative change, it occurs at a poorly conserved position in the protein, it is predicted to be benign by multiple in silico algorithms, and/or has population frequency not consistent with disease.

NM_000535.7(PMS2):c.1145-16G>T

Gene: PMS2 (PMS1 homolog 2, mismatch repair system component; minus strand). Cytogenetic location: 7p22.1.
Variant type: single nucleotide variant.
Coding change: c.1145-16G>T on transcript NM_000535.7 (MANE Select); 16 bases into the intron before coding-DNA position 1145, G replaced by T.
Molecular consequence: intron variant.
Genome position (GRCh38, 1-based): chr7:5,987,636, C>A on the plus strand (G>T on the coding strand, the complement: PMS2 is on the minus strand). VCF-style: chr7-5987636-C-A. GRCh37 (hg19) VCF-style: chr7-6027267-C-A.
Other names: c.827-16G>T (NM_001322008.2, NM_001322007.2); c.584-16G>T (NM_001322010.2); c.740-16G>T (NM_001322004.2, NM_001322003.2, NM_001322009.2 and 1 more transcripts); c.572-16G>T (NM_001322013.2); c.212-16G>T (NM_001322012.2, NM_001322011.2); c.836-16G>T (NM_001322015.2); c.989-16G>T (NM_001322006.2); c.1145-16G>T (NM_001322014.2).
Identifiers: ClinVar variation 378386 (VCV000378386.12), dbSNP rs576825560, ClinGen allele CA042225.